The following is an entry in ClinVar:

ClinVar aggregate classification (germline): Conflicting classifications of pathogenicity. Review status: criteria provided, conflicting classifications (1 of 4 stars). 10 submissions from 10 submitters: Uncertain significance (7); Likely benign (2). 1 of the submissions does not count toward it. Last evaluated 2025-06-23.

Conditions:
Hereditary cancer-predisposing syndrome. Also called: Hereditary Cancer Syndrome; Hereditary neoplastic syndrome; Neoplastic Syndromes, Hereditary; Tumor predisposition. Identifiers: Orphanet 140162, MedGen C0027672, MeSH D009386, MONDO:0015356.
Fanconi anemia (FA). Also called: Fanconi's anemia. Identifiers: Orphanet 84, MedGen C0015625, MeSH D005199, MONDO:0019391.
Fanconi anemia complementation group C (FANCC). Also called: Fanconi anemia, group C; FANCC-Related Fanconi Anemia; FANCONI PANCYTOPENIA, TYPE 3; FACC. Identifiers: Orphanet 84, MedGen C3468041, MONDO:0009213, OMIM 227645.

Allele frequency attached by ClinVar (database versions not stated): ExAC 0.00002; gnomAD 0.00003 and 0.00004; gnomAD exomes 0.00003; TOPMed 0.00004; ESP Exome Variant Server 0.00008.
gnomAD v4.1: 102 of 1,614,052 alleles (0.0063%); highest among the groups gnomAD compares: Middle Eastern, 0.016%; no homozygotes.

Submissions (10):

Mendelics
Classification: Likely benign for Fanconi anemia complementation group C. Last evaluated: 2025-06-23. Review status: criteria provided, single submitter. Criteria: ACMG Guidelines, 2015. Collection method: clinical testing. Allele origin: unknown.
Comment: This variant is considered likely benign or benign based on one or more of the following: it is predicted to be benign by multiple in silico algorithms, and/or has population frequency not consistent with disease, and/or has normal protein function, and/or has lack of segregation with disease, and/or has been detected in co-occurrence with known pathogenic variant, and/or has lack of disease association in case-control studies, and/or is located in a region inconsistent with a known cause of pathogenicity.

Quest Diagnostics Nichols Institute San Juan Capistrano
Classification: Uncertain significance. Last evaluated: 2025-05-13. Review status: criteria provided, single submitter. Criteria: Quest Diagnostics criteria. Collection method: clinical testing. Allele origin: unknown.
Comment: The FANCC c.28T>G (p.Cys10Gly) variant has been reported in the published literature in individuals with breast/ovarian cancer (PMID: 38874686 (2024), 23028338 (2012), 33471991 (2021), see also LOVD), colorectal cancer (PMID: 30256826 (2018)), and in reportedly unaffected individuals (PMID: 29641532 (2018), 14726700 (2004), 33471991 (2021), see also LOVD). The frequency of this variant in the general population (Genome Aggregation Database) is uninformative in the assessment of its pathogenicity. Analysis of this variant using bioinformatics tools for the prediction of the effect of amino acid changes on protein structure and function yielded predictions that this variant is benign. Additional analysis using software algorithms for the prediction of the effect of nucleotide changes on FANCC mRNA splicing yielded predictions that this variant may result in the gain of a cryptic splice site without affecting the natural splice sites. Based on the available information, we are unable to determine the clinical significance of this variant.

GeneDx
Classification: Uncertain significance. Last evaluated: 2025-05-02. Review status: criteria provided, single submitter. Criteria: GeneDx Variant Classification Process June 2021. Collection method: clinical testing. Allele origin: germline. Affected: yes.
Comment: In silico analysis indicates that this missense variant does not alter protein structure/function; Observed in individuals with a personal or family history of breast, pancreatic, and/or other cancers, as well as unaffected controls (PMID: 14726700, 23028338, 30256826, 33471991, 29641532); This variant is associated with the following publications: (PMID: 23028338, 30256826, 14726700, Gordon2000[Book], 33471991, 29641532)

Fulgent Genetics
Classification: Uncertain significance for Fanconi anemia complementation group C. Last evaluated: 2024-06-10. Review status: criteria provided, single submitter. Criteria: ACMG Guidelines, 2015. Collection method: clinical testing. Allele origin: germline.

Women's Health and Genetics/Laboratory Corporation of America, LabCorp
Classification: Uncertain significance. Last evaluated: 2024-06-10. Review status: criteria provided, single submitter. Criteria: LabCorp Variant Classification Summary - May 2015. Collection method: clinical testing. Allele origin: germline.
Comment: Variant summary: FANCC c.28T>G (p.Cys10Gly) results in a non-conservative amino acid change in the encoded protein sequence. Four of five in-silico tools predict a benign effect of the variant on protein function. The variant allele was found at a frequency of 2.8e-05 in 250836 control chromosomes. The available data on variant occurrences in the general population are insufficient to allow any conclusion about variant significance. c.28T>G has been reported in the literature in individuals affected with colorectal cancer, breast cancer and/or a family history of prostate cancer (e.g. Martin-Morales_2018, Rogers_2004, Thompson_2012). To our knowledge, no experimental evidence demonstrating an impact on protein function has been reported. The following publications have been ascertained in the context of this evaluation (PMID: 30256826, 14726700, 23028338). ClinVar contains an entry for this variant (Variation ID: 216287). Based on the evidence outlined above, the variant was classified as uncertain significance.

Labcorp Genetics (formerly Invitae), Labcorp
Classification: Uncertain significance for Fanconi anemia. Last evaluated: 2024-06-09. Review status: criteria provided, single submitter. Criteria: Invitae Variant Classification Sherloc (09022015). Collection method: clinical testing. Allele origin: germline.
Comment: This sequence change replaces cysteine, which is neutral and slightly polar, with glycine, which is neutral and non-polar, at codon 10 of the FANCC protein (p.Cys10Gly). This variant is present in population databases (rs147479204, gnomAD 0.006%). This missense change has been observed in individual(s) with breast cancer and/or family history of breast and pancreatic cancer (PMID: 14726700, 23028338). ClinVar contains an entry for this variant (Variation ID: 216287). Advanced modeling of protein sequence and biophysical properties (such as structural, functional, and spatial information, amino acid conservation, physicochemical variation, residue mobility, and thermodynamic stability) performed at Invitae indicates that this missense variant is not expected to disrupt FANCC protein function with a negative predictive value of 80%. In summary, the available evidence is currently insufficient to determine the role of this variant in disease. Therefore, it has been classified as a Variant of Uncertain Significance.

Ambry Genetics
Classification: Likely benign for Hereditary cancer-predisposing syndrome. Last evaluated: 2024-03-11. Review status: criteria provided, single submitter. Criteria: Ambry Variant Classification Scheme 2023. Collection method: clinical testing. Allele origin: germline.

Mayo Clinic Laboratories, Mayo Clinic
Classification: Uncertain significance. Last evaluated: 2021-01-27. Review status: criteria provided, single submitter. Criteria: ACMG Guidelines, 2015. Collection method: clinical testing. Allele origin: germline. Observed: 2 variant alleles.

Genetic Services Laboratory, University of Chicago
Classification: Uncertain significance. Last evaluated: 2020-12-02. Review status: criteria provided, single submitter. Criteria: ACMG Guidelines, 2015. Collection method: clinical testing. Allele origin: germline. Affected: no.
Comment: DNA sequence analysis of the FANCC gene demonstrated a sequence change, c.28T>G, in exon 2 that results in an amino acid change, p.Cys10Gly. This sequence change has been described in the gnomAD database with a low frequency of 0.005% in the European sub-population (dbSNP rs147479204). The p.Cys10Gly change has been described in an individual with breast cancer (PMID: 23028338), as well as an unaffected individual with a family history of breast and pancreatic cancer (PMID: 14726700). The p.Cys10Gly change affects a poorly conserved amino acid residue located in a domain of the FANCC protein that is known to be functional. The p.Cys10Gly substitution appears to be benign using several in-silico pathogenicity prediction tools (SIFT, PolyPhen2, Align GVGD, REVEL). Due to these contrasting evidences and the lack of functional studies, the clinical significance of the p.Cys10Gly change remains unknown at this time.

Natera, Inc.
Classification: Uncertain significance for Fanconi anemia. Last evaluated: 2018-05-29. Review status: no assertion criteria provided. Collection method: clinical testing. Allele origin: germline. Not counted in ClinVar's aggregate classification.

Literature cited by the submitters: PubMed 14726700 (cited by 3 submitters); PubMed 23028338 (cited by 3 submitters); PubMed 33471991 (cited by Quest Diagnostics Nichols Institute San Juan Capistrano); PubMed 30256826 (cited by Quest Diagnostics Nichols Institute San Juan Capistrano and Women's Health and Genetics/Laboratory Corporation of America, LabCorp); PubMed 29641532 (cited by Quest Diagnostics Nichols Institute San Juan Capistrano and Ambry Genetics); PubMed 38874686 (cited by Quest Diagnostics Nichols Institute San Juan Capistrano).

NM_000136.3(FANCC):c.28T>G (p.Cys10Gly)

Gene: FANCC (FA complementation group C; minus strand). Cytogenetic location: 9q22.32.
Variant type: single nucleotide variant.
Coding change: c.28T>G on transcript NM_000136.3 (MANE Select); coding-DNA position 28, T replaced by G.
Protein change: p.Cys10Gly; replaces cysteine 10 with glycine.
Molecular consequence: missense variant.
Genome position (GRCh38, 1-based): chr9:95,249,264, A>C on the plus strand (T>G on the coding strand, the complement: FANCC is on the minus strand). VCF-style: chr9-95249264-A-C. GRCh37 (hg19) VCF-style: chr9-98011546-A-C.
Other names: c.28T>G, p.Cys10Gly (NM_001243743.2, NM_001243744.2); short protein forms C10G.
Identifiers: ClinVar variation 216287 (VCV000216287.37), dbSNP rs147479204, ClinGen allele CA339141.
Genomic context (GRCh38, chr9:95,249,264, plus strand): 5'-TTTCCAAAGTGGAAGCCTGATCCCATACAGAAAGCTTCTGCATCCAAAACTGATAATCAC[A>C]AGAAAGATCTACTGAATCTTGAGCCATCTTGGAAAAAGCGAAAAGGTGATGTCCCTTCAC-3'
Protein context (NP_000127.2, residues 1-20): MAQDSVDLS[Cys10Gly]DYQFWMQKLS